The following is an entry in ClinVar:

NM_003002.4(SDHD):c.169+3A>G

Gene: SDHD (succinate dehydrogenase complex subunit D; plus strand). Cytogenetic location: 11q23.1.
Variant type: single nucleotide variant.
Coding change: c.169+3A>G on transcript NM_003002.4 (MANE Select); 3 bases into the intron after coding-DNA position 169, A replaced by G.
Molecular consequence: intron variant.
Genome position (GRCh38, 1-based): chr11:112,087,976, A>G. VCF-style: chr11-112087976-A-G. GRCh37 (hg19) VCF-style: chr11-111958700-A-G.
Other names: c.169+3A>G (NM_001276506.2, NM_001276503.2); c.53-891A>G (NM_001276504.2).
Identifiers: ClinVar variation 840431 (VCV000840431.13), dbSNP rs1865657168, ClinGen allele CA916083276.
Genomic context (GRCh38, chr11:112,087,976, plus strand): 5'-CGACCTATCCCAGAATGGTGTGGAGTGCAGCACATACACTTGTCACCGAGCCACCATTGT[A>G]TGTTCTCTCCATCGCTGCTGCTTTCTGGGCTCTAGCCATCTTTACCTTCACTAATGGTCA-3'

ClinVar aggregate classification (germline): Uncertain significance. Review status: criteria provided, multiple submitters, no conflicts (2 of 4 stars). 3 submissions from 3 submitters: Uncertain significance (3). Last evaluated 2023-04-27.

Conditions:
Carney-Stratakis syndrome. Also called: PARAGANGLIOMA AND GASTROINTESTINAL STROMAL TUMOR. Identifiers: Orphanet 97286, MedGen C1847319, MONDO:0011740, OMIM 606864.
Cowden syndrome 3 (CWS3). Identifiers: Orphanet 201, MedGen CN166604, MONDO:0014045.
Pheochromocytoma. Also called: MAX-Related Hereditary Paraganglioma-Pheochromocytoma Syndrome. Identifiers: Orphanet 29072, MedGen C0031511, MONDO:0008233, OMIM 171300, HP:0002666.
Paragangliomas with sensorineural hearing loss. Identifiers: MedGen C1868633.
Hereditary cancer-predisposing syndrome. Also called: Hereditary Cancer Syndrome; Tumor predisposition; Neoplastic Syndromes, Hereditary; Hereditary neoplastic syndrome. Identifiers: Orphanet 140162, MedGen C0027672, MeSH D009386, MONDO:0015356.
Pheochromocytoma/paraganglioma syndrome 1. Also called: SDHD-Related Hereditary Paraganglioma-Pheochromocytoma Syndrome; PARAGANGLIOMATA; Paragangliomas 1; Glomus tumors familial 1; PARAGANGLIOMAS, FAMILIAL NONCHROMAFFIN, 1; PGL 1. Identifiers: Orphanet 29072, MedGen C3494181, MONDO:0008192, OMIM 168000.
Mitochondrial complex 2 deficiency, nuclear type 3. Also called: MITOCHONDRIAL COMPLEX II DEFICIENCY, NUCLEAR TYPE 3. Identifiers: MedGen C5436934, MONDO:0030937, OMIM 619167.

Allele frequency attached by ClinVar (database versions not stated): TOPMed below 0.00001.

Submissions (3):

Labcorp Genetics (formerly Invitae), Labcorp
Classification: Uncertain significance for Carney-Stratakis syndrome; Paragangliomas with sensorineural hearing loss; Pheochromocytoma; Cowden syndrome 3. Last evaluated: 2023-04-27. Review status: criteria provided, single submitter. Criteria: Invitae Variant Classification Sherloc (09022015). Collection method: clinical testing. Allele origin: germline.
Comment: Variants that disrupt the consensus splice site are a relatively common cause of aberrant splicing (PMID: 17576681, 9536098). Algorithms developed to predict the effect of sequence changes on RNA splicing suggest that this variant may disrupt the consensus splice site. ClinVar contains an entry for this variant (Variation ID: 840431). This variant has not been reported in the literature in individuals affected with SDHD-related conditions. This variant is not present in population databases (gnomAD no frequency). This sequence change falls in intron 2 of the SDHD gene. It does not directly change the encoded amino acid sequence of the SDHD protein. It affects a nucleotide within the consensus splice site. In summary, the available evidence is currently insufficient to determine the role of this variant in disease. Therefore, it has been classified as a Variant of Uncertain Significance.

Ambry Genetics
Classification: Uncertain significance for Hereditary cancer-predisposing syndrome. Last evaluated: 2022-02-11. Review status: criteria provided, single submitter. Criteria: Ambry Variant Classification Scheme 2023. Collection method: clinical testing. Allele origin: germline.
Comment: The c.169+3A>G intronic variant results from an A to G substitution 3 nucleotides after coding exon 2 in the SDHD gene. This nucleotide position is well conserved in available vertebrate species. In silico splice site analysis predicts that this alteration may weaken the native splice donor site. Since supporting evidence is limited at this time, the clinical significance of this alteration remains unclear.

Juno Genomics, Hangzhou Juno Genomics, Inc
Classification: Uncertain significance for Pheochromocytoma/paraganglioma syndrome 1; Mitochondrial complex 2 deficiency, nuclear type 3; Carney-Stratakis syndrome. Review status: criteria provided, single submitter. Criteria: ACMG Guidelines, 2015. Collection method: clinical testing. Allele origin: germline.
Comment: Absent from controls (or at extremely low frequency if recessive) in Genome Aggregation Database.;Multiple lines of computational evidence support a deleterious effect on the gene or gene product.

Literature cited by the submitters: PubMed 17576681 (cited by Labcorp Genetics (formerly Invitae), Labcorp); PubMed 9536098 (cited by Labcorp Genetics (formerly Invitae), Labcorp).